The following is an entry in ClinVar:

ClinVar aggregate classification (germline): Likely benign (1 of 4 stars; one submission).

Conditions:
Charcot-Marie-Tooth disease type 4B2. Also called: Charcot-Marie-Tooth Neuropathy Type 4B2; CMT 4B2; CHARCOT-MARIE-TOOTH DISEASE, DEMYELINATING, TYPE 4B2; CHARCOT-MARIE-TOOTH DISEASE, WITH FOCALLY FOLDED MYELIN SHEATHS, AUTOSOMAL RECESSIVE, TYPE 4B2. Identifiers: Orphanet 99956, MedGen C1858278, MONDO:0011475, OMIM 604563.

Allele frequency attached by ClinVar (database versions not stated): gnomAD 0.00013 and 0.00025; TOPMed 0.00021; 1000 Genomes Project 0.00200; 1000 Genomes Project 30x 0.00203.
gnomAD v4.1: 37 of 152,738 alleles (0.024%); highest among the groups gnomAD compares: East Asian, 0.6%; no homozygotes.

Submission:

Illumina Laboratory Services, Illumina
Classification: Likely benign for Charcot-Marie-Tooth disease type 4B2. Last evaluated: 2018-01-12. Review status: criteria provided, single submitter. Criteria: ICSL Variant Classification Criteria 13 December 2019. Collection method: clinical testing. Allele origin: germline.
Comment: This variant was observed in the ICSL laboratory as part of a predisposition screen in an ostensibly healthy population. It had not been previously curated by ICSL or reported in the Human Gene Mutation Database (HGMD: prior to June 1st, 2018), and was therefore a candidate for classification through an automated scoring system. Utilizing variant allele frequency, disease prevalence and penetrance estimates, and inheritance mode, an automated score was calculated to assess if this variant is too frequent to cause the disease. Based on the score and internal cut-off values, a variant classified as likely benign is not then subjected to further curation. The score for this variant resulted in a classification of likely benign for this disease.

NM_030962.4(SBF2):c.*1091G>A

Genes: SBF2 (SET binding factor 2; minus strand), SBF2-AS1 (SBF2 antisense RNA 1; plus strand). Cytogenetic location: 11p15.4.
Variant type: single nucleotide variant.
Coding change: c.*1091G>A on transcript NM_030962.4 (MANE Select); 1091 bases downstream of the stop codon, G replaced by A.
Molecular consequence: 3 prime UTR variant.
Genome position (GRCh38, 1-based): chr11:9,779,327, C>T on the plus strand (G>A on the coding strand, the complement: SBF2 is on the minus strand). VCF-style: chr11-9779327-C-T. GRCh37 (hg19) VCF-style: chr11-9800874-C-T.
Other names: c.*1091G>A (NM_001386339.1, NM_001386342.1).
Identifiers: ClinVar variation 883673 (VCV000883673.4), dbSNP rs182391972, ClinGen allele CA217602010.
Genomic context (GRCh38, chr11:9,779,327, plus strand): 5'-GAAATATTAGTTTAGTATTTAACATATTAACATTTCAAAACAAATGCAATGATCTAGCTA[C>T]CTATGACGCCAGCTGGTGTCAGTGGTTGTAGCGAAGATGCTGTTTCTGTTTACCATGAGC-3'